The following is an entry in ClinVar:

NM_004208.4(AIFM1):c.724A>G (p.Met242Val)

Genes: AIFM1 (apoptosis inducing factor mitochondria associated 1; minus strand), RAB33A (RAB33A, member RAS oncogene family; plus strand). Cytogenetic location: Xq26.1.
Variant type: single nucleotide variant.
Coding change: c.724A>G on transcript NM_004208.4 (MANE Select); coding-DNA position 724, A replaced by G.
Protein change: p.Met242Val; replaces methionine 242 with valine.
Molecular consequence: missense variant. On other transcripts: non-coding transcript variant (1).
Genome position (GRCh38, 1-based): chrX:130,140,590, T>C on the plus strand (A>G on the coding strand, the complement: AIFM1 is on the minus strand). VCF-style: chrX-130140590-T-C. GRCh37 (hg19) VCF-style: chrX-129274565-T-C.
Other names: c.724A>G, p.Met242Val (NM_001130847.4); c.712A>G, p.Met238Val (NM_145812.3); short protein forms M238V, M242V.
Identifiers: ClinVar variation 836326 (VCV000836326.11), dbSNP rs138123187, ClinGen allele CA10515401.

ClinVar aggregate classification (germline): Conflicting classifications of pathogenicity. Review status: criteria provided, conflicting classifications (1 of 4 stars). 4 submissions from 4 submitters: Uncertain significance (1); Benign (1); Likely benign (2). Last evaluated 2025-12-18.

Conditions:
AIFM1-related disorder. Also called: AIFM1-related condition.
Inborn genetic diseases. Identifiers: MedGen C0950123, MeSH D030342.
Charcot-Marie-Tooth Neuropathy X. Identifiers: MedGen CN118851.
Combined oxidative phosphorylation deficiency. Identifiers: MedGen C4540031, MONDO:0000732.

Allele frequency attached by ClinVar (database versions not stated): gnomAD exomes 0.00001 and 0.00007; ExAC 0.00005; gnomAD 0.00016 and 0.00017; TOPMed 0.00018; ESP Exome Variant Server 0.00019; 1000 Genomes Project 30x 0.00021; 1000 Genomes Project 0.00026.
gnomAD v4.1: 30 of 1,208,642 alleles (0.0025%); highest among the groups gnomAD compares: African/African-American, 0.033%; no homozygotes.

Submissions (4):

PreventionGenetics, part of Exact Sciences
Classification: Likely benign for AIFM1-related condition. Last evaluated: 2025-12-18. Review status: criteria provided, single submitter. Criteria: ACMG Guidelines, 2015. Collection method: clinical testing. Allele origin: germline.
Comment: This variant is classified as likely benign based on ACMG/AMP sequence variant interpretation guidelines (Richards et al. 2015 PMID: 25741868, with internal and published modifications).

Labcorp Genetics (formerly Invitae), Labcorp
Classification: Benign for Charcot-Marie-Tooth Neuropathy X; Combined oxidative phosphorylation deficiency. Last evaluated: 2025-11-05. Review status: criteria provided, single submitter. Criteria: Invitae Variant Classification Sherloc (09022015). Collection method: clinical testing. Allele origin: germline.

Blueprint Genetics
Classification: Likely benign. Last evaluated: 2022-07-12. Review status: criteria provided, single submitter. Criteria: ACMG Guidelines, 2015. Collection method: clinical testing. Allele origin: germline.

Ambry Genetics
Classification: Uncertain significance for Inborn genetic diseases. Last evaluated: 2019-08-30. Review status: criteria provided, single submitter. Criteria: Ambry Variant Classification Scheme 2023. Collection method: clinical testing. Allele origin: germline.
Comment: The p.M242V variant (also known as c.724A>G), located in coding exon 7 of the AIFM1 gene, results from an A to G substitution at nucleotide position 724. The methionine at codon 242 is replaced by valine, an amino acid with highly similar properties. This amino acid position is not well conserved in available vertebrate species. In addition, this alteration is predicted to be tolerated by in silico analysis. Since supporting evidence is limited at this time, the clinical significance of this alteration remains unclear.